The following is an entry in ClinVar:

ClinVar aggregate classification (germline): Uncertain significance. Review status: criteria provided, multiple submitters, no conflicts (2 of 4 stars). 2 submissions from 2 submitters: Uncertain significance (2). Last evaluated 2024-02-21.

Conditions:
Hereditary sensory and autonomic neuropathy type 6. Also called: HSAN VI; Neuropathy, hereditary sensory and autonomic, type VI. Identifiers: Orphanet 314381, MedGen C3539003, MONDO:0013839, OMIM 614653.
Epidermolysis bullosa simplex 3, localized or generalized intermediate, with BP230 deficiency (EBS3). Also called: Epidermolysis bullosa simplex due to BP230 deficiency; Epidermolysis bullosa simplex, autosomal recessive 2. Identifiers: Orphanet 412181, MedGen C3809470, MONDO:0014180, OMIM 615425.

Allele frequency attached by ClinVar (database versions not stated): gnomAD exomes 0.00001; ExAC 0.00002; gnomAD 0.00004 and 0.00005; TOPMed 0.00005.
gnomAD v4.1: 26 of 1,520,908 alleles (0.0017%); highest among the groups gnomAD compares: African/African-American, 0.015%; no homozygotes.

Submissions (2):

Blueprint Genetics
Classification: Uncertain significance. Last evaluated: 2024-02-21. Review status: criteria provided, single submitter. Criteria: ACMG Guidelines, 2015. Collection method: clinical testing. Allele origin: germline.

Labcorp Genetics (formerly Invitae), Labcorp
Classification: Uncertain significance for Epidermolysis bullosa simplex 3, localized or generalized intermediate, with BP230 deficiency; Hereditary sensory and autonomic neuropathy type 6. Last evaluated: 2022-08-19. Review status: criteria provided, single submitter. Criteria: Invitae Variant Classification Sherloc (09022015). Collection method: clinical testing. Allele origin: germline.
Comment: The DST gene has multiple clinically relevant transcripts. This variant occurs in alternate transcript NM_015548.4, and corresponds to NM_001723.5:c.*21333G>A in the primary transcript. This sequence change replaces glutamic acid, which is acidic and polar, with lysine, which is basic and polar, at codon 1446 of the DST protein (p.Glu1446Lys). This variant is present in population databases (rs774002432, gnomAD 0.007%). This variant has not been reported in the literature in individuals affected with DST-related conditions. Experimental studies and prediction algorithms are not available or were not evaluated, and the functional significance of this variant is currently unknown. In summary, the available evidence is currently insufficient to determine the role of this variant in disease. Therefore, it has been classified as a Variant of Uncertain Significance.

NM_001374736.1(DST):c.12205G>A (p.Glu4069Lys)

Gene: DST (dystonin; minus strand). Cytogenetic location: 6p12.1.
Variant type: single nucleotide variant.
Coding change: c.12205G>A on transcript NM_001374736.1 (MANE Select); coding-DNA position 12205, G replaced by A.
Protein change: p.Glu4069Lys; replaces glutamic acid 4069 with lysine.
Molecular consequence: missense variant.
Genome position (GRCh38, 1-based): chr6:56,594,184, C>T on the plus strand (G>A on the coding strand, the complement: DST is on the minus strand). VCF-style: chr6-56594184-C-T. GRCh37 (hg19) VCF-style: chr6-56458982-C-T.
Other names: c.5848G>A, p.Glu1950Lys (NM_001144769.5); c.5434G>A, p.Glu1812Lys (NM_001144770.2); c.12205G>A, p.Glu4069Lys (NM_001374722.1); c.11572G>A, p.Glu3858Lys (NM_001374729.1); c.5314G>A, p.Glu1772Lys (NM_001374730.1, NM_183380.4); c.12232G>A, p.Glu4078Lys (NM_001374734.1); c.4336G>A, p.Glu1446Lys (NM_015548.5); short protein forms E1772K, E1812K, E1950K, E4078K, E1446K, E4069K, E3858K.
Identifiers: ClinVar variation 968162 (VCV000968162.8), dbSNP rs774002432, ClinGen allele CA3868476.